The following is an entry in ClinVar:

ClinVar aggregate classification (germline): Conflicting classifications of pathogenicity. Review status: criteria provided, conflicting classifications (1 of 4 stars). 5 submissions from 5 submitters: Uncertain significance (1); Benign (1); Likely benign (2). 1 of the submissions does not count toward it. Last evaluated 2026-01-14.

Conditions:
EYS-related disorder. Also called: EYS-related condition.
Retinal dystrophy. Also called: Inherited retinal dystrophy. Identifiers: Orphanet 71862, MedGen C0854723, MeSH D058499, MONDO:0019118, HP:0000556.
Retinitis pigmentosa 25 (RP25). Identifiers: Orphanet 791, MedGen C1864446, MONDO:0011272, OMIM 602772.

Allele frequency attached by ClinVar (database versions not stated): gnomAD exomes 0.00002 and 0.00016; gnomAD 0.00004 and 0.00005; ExAC 0.00005; TOPMed 0.00005; 1000 Genomes Project 30x 0.00031; 1000 Genomes Project 0.00040.
gnomAD v4.1: 45 of 1,551,444 alleles (0.0029%); highest among the groups gnomAD compares: East Asian, 0.1%; 1 homozygote.

Submissions (5):

Labcorp Genetics (formerly Invitae), Labcorp
Classification: Benign. Last evaluated: 2026-01-14. Review status: criteria provided, single submitter. Criteria: Invitae Variant Classification Sherloc (09022015). Collection method: clinical testing. Allele origin: germline.

PreventionGenetics, part of Exact Sciences
Classification: Likely benign for EYS-related condition. Last evaluated: 2025-01-30. Review status: criteria provided, single submitter. Criteria: ACMG Guidelines, 2015. Collection method: clinical testing. Allele origin: germline.
Comment: This variant is classified as likely benign based on ACMG/AMP sequence variant interpretation guidelines (Richards et al. 2015 PMID: 25741868, with internal and published modifications).

Blueprint Genetics
Classification: Uncertain significance. Last evaluated: 2024-07-12. Review status: criteria provided, single submitter. Criteria: ACMG Guidelines, 2015. Collection method: clinical testing. Allele origin: germline.

Dept Of Ophthalmology, Nagoya University
Classification: Likely benign for Retinal dystrophy. Last evaluated: 2023-10-01. Review status: criteria provided, single submitter. Criteria: Submitter's publication. Collection method: research. Allele origin: germline. Affected: yes.

Natera, Inc.
Classification: Uncertain significance for Retinitis pigmentosa type 25. Last evaluated: 2020-01-24. Review status: no assertion criteria provided. Collection method: clinical testing. Allele origin: germline. Not counted in ClinVar's aggregate classification.

NM_001142800.2(EYS):c.5411T>C (p.Ile1804Thr)

Gene: EYS (EGF-like photoreceptor maintenance factor; minus strand). Cytogenetic location: 6q12.
Variant type: single nucleotide variant.
Coding change: c.5411T>C on transcript NM_001142800.2 (MANE Select); coding-DNA position 5411, T replaced by C.
Protein change: p.Ile1804Thr; replaces isoleucine 1804 with threonine.
Molecular consequence: missense variant.
Genome position (GRCh38, 1-based): chr6:64,590,456, A>G on the plus strand (T>C on the coding strand, the complement: EYS is on the minus strand). VCF-style: chr6-64590456-A-G. GRCh37 (hg19) VCF-style: chr6-65300349-A-G.
Other names: c.5411T>C, p.Ile1804Thr (NM_001292009.2); short protein forms I1804T.
Identifiers: ClinVar variation 797211 (VCV000797211.15), dbSNP rs368097230, ClinGen allele CA3877018.